The following is an entry in ClinVar:

NM_020821.3(VPS13C):c.1005A>C (p.Lys335Asn)

Gene: VPS13C (vacuolar protein sorting 13 homolog C; minus strand). Cytogenetic location: 15q22.2.
Variant type: single nucleotide variant.
Coding change: c.1005A>C on transcript NM_020821.3 (MANE Select); coding-DNA position 1005, A replaced by C.
Protein change: p.Lys335Asn; replaces lysine 335 with asparagine.
Molecular consequence: missense variant.
Genome position (GRCh38, 1-based): chr15:62,010,478, T>G on the plus strand (A>C on the coding strand, the complement: VPS13C is on the minus strand). VCF-style: chr15-62010478-T-G. GRCh37 (hg19) VCF-style: chr15-62302677-T-G.
Other names: c.1005A>C, p.Lys335Asn (NM_001018088.3); c.876A>C, p.Lys292Asn (NM_017684.5, NM_018080.4); short protein forms K292N, K335N.
Identifiers: ClinVar variation 4700511 (VCV004700511.1).

ClinVar aggregate classification (germline): Uncertain significance (1 of 4 stars; one submission).

gnomAD v4.1: 1 of 1,606,378 alleles (0.000062%); highest among the groups gnomAD compares: Non-Finnish European, 0.000085%; no homozygotes.

Submission:

Labcorp Genetics (formerly Invitae), Labcorp
Classification: Uncertain significance. Last evaluated: 2025-10-02. Review status: criteria provided, single submitter. Criteria: Invitae Variant Classification Sherloc (09022015). Collection method: clinical testing. Allele origin: germline.
Comment: This sequence change replaces lysine, which is basic and polar, with asparagine, which is neutral and polar, at codon 335 of the VPS13C protein (p.Lys335Asn). This variant is not present in population databases (gnomAD no frequency). This variant has not been reported in the literature in individuals affected with VPS13C-related conditions. Invitae Evidence Modeling of protein sequence and biophysical properties (such as structural, functional, and spatial information, amino acid conservation, physicochemical variation, residue mobility, and thermodynamic stability) indicates that this missense variant is expected to disrupt VPS13C protein function with a positive predictive value of 80%. In summary, the available evidence is currently insufficient to determine the role of this variant in disease. Therefore, it has been classified as a Variant of Uncertain Significance.